The following is an entry in ClinVar:

NM_001042492.3(NF1):c.8089C>T (p.Gln2697Ter)

Gene: NF1 (neurofibromin 1; plus strand). Cytogenetic location: 17q11.2.
Variant type: single nucleotide variant.
Coding change: c.8089C>T on transcript NM_001042492.3 (MANE Select); coding-DNA position 8089, C replaced by T.
Protein change: p.Gln2697Ter; replaces glutamine 2697 with a stop codon.
Molecular consequence: nonsense.
Genome position (GRCh38, 1-based): chr17:31,358,598, C>T. VCF-style: chr17-31358598-C-T. GRCh37 (hg19) VCF-style: chr17-29685616-C-T.
Other names: c.8026C>T, p.Gln2676Ter (NM_000267.4); short protein forms Q2676*, Q2697*.
Identifiers: ClinVar variation 1428497 (VCV001428497.7), dbSNP rs2151585114, ClinGen allele CA399203932.

ClinVar aggregate classification (germline): Pathogenic/Likely pathogenic. Review status: criteria provided, multiple submitters, no conflicts (2 of 4 stars). 2 submissions from 2 submitters: Pathogenic (1); Likely pathogenic (1). Last evaluated 2024-01-03.

Conditions:
Neurofibromatosis, type 1 (NF1). Also called: VON RECKLINGHAUSEN DISEASE; NEUROFIBROMATOSIS, TYPE I, SOMATIC; Neurofibromatosis, type I; Peripheral type neurofibromatosis. Identifiers: Orphanet 636, MedGen C0027831, MONDO:0018975, OMIM 162200. Disease mechanism: loss of function.

Submissions (2):

GeneDx
Classification: Likely pathogenic. Last evaluated: 2024-01-03. Review status: criteria provided, single submitter. Criteria: GeneDx Variant Classification Process June 2021. Collection method: clinical testing. Allele origin: germline. Affected: yes.
Comment: Nonsense variant predicted to result in protein truncation or nonsense mediated decay in a gene for which loss of function is a known mechanism of disease; Not observed at significant frequency in large population cohorts (gnomAD); Has not been previously published as pathogenic or benign to our knowledge

Labcorp Genetics (formerly Invitae), Labcorp
Classification: Pathogenic for Neurofibromatosis, type 1. Last evaluated: 2020-12-20. Review status: criteria provided, single submitter. Criteria: Invitae Variant Classification Sherloc (09022015). Collection method: clinical testing. Allele origin: germline.
Comment: This sequence change creates a premature translational stop signal (p.Gln2676*) in the NF1 gene. It is expected to result in an absent or disrupted protein product. Loss-of-function variants in NF1 are known to be pathogenic (PMID: 10712197, 23913538). This variant is not present in population databases (ExAC no frequency). This variant has not been reported in the literature in individuals with NF1-related conditions. For these reasons, this variant has been classified as Pathogenic.

Literature cited by the submitters: PubMed 10712197 (cited by Labcorp Genetics (formerly Invitae), Labcorp); PubMed 23913538 (cited by Labcorp Genetics (formerly Invitae), Labcorp).